The following is an entry in ClinVar:

NM_006231.4(POLE):c.2451_2452insAT (p.Tyr818fs)

Gene: POLE (DNA polymerase epsilon, catalytic subunit; minus strand). Cytogenetic location: 12q24.33.
Variant type: Insertion.
Coding change: c.2451_2452insAT on transcript NM_006231.4 (MANE Select); coding-DNA positions 2451 to 2452, AT inserted.
Protein change: p.Tyr818fs; shifts the reading frame from tyrosine 818.
Molecular consequence: frameshift variant.
Genome position: GRCh38 VCF-style: chr12-132665318-A-AAT. GRCh37 (hg19) VCF-style: chr12-133241904-A-AAT.
Other names: short protein forms Y818fs.
Identifiers: ClinVar variation 2815047 (VCV002815047.3), dbSNP rs2542073242, ClinGen allele CA2739277382.

ClinVar aggregate classification (germline): Pathogenic (1 of 4 stars; one submission).

Submission:

Labcorp Genetics (formerly Invitae), Labcorp
Classification: Pathogenic. Last evaluated: 2022-11-18. Review status: criteria provided, single submitter. Criteria: Invitae Variant Classification Sherloc (09022015). Collection method: clinical testing. Allele origin: germline.
Comment: This sequence change creates a premature translational stop signal (p.Tyr818Ilefs*33) in the POLE gene. It is expected to result in an absent or disrupted protein product. Loss-of-function variants in POLE are known to be pathogenic (PMID: 23230001, 25948378, 30503519). For these reasons, this variant has been classified as Pathogenic. This variant has not been reported in the literature in individuals affected with POLE-related conditions. This variant is not present in population databases (gnomAD no frequency).

Literature cited by the submitters: PubMed 23230001; PubMed 25948378; PubMed 30503519.